The following is an entry in ClinVar:

ClinVar aggregate classification (germline): Uncertain significance (1 of 4 stars; one submission).

Conditions:
Hereditary cancer-predisposing syndrome. Also called: Hereditary Cancer Syndrome; Hereditary neoplastic syndrome; Neoplastic Syndromes, Hereditary; Tumor predisposition. Identifiers: Orphanet 140162, MedGen C0027672, MeSH D009386, MONDO:0015356.

Submission:

Ambry Genetics
Classification: Uncertain significance for Hereditary cancer-predisposing syndrome. Last evaluated: 2021-11-17. Review status: criteria provided, single submitter. Criteria: Ambry Variant Classification Scheme 2023. Collection method: clinical testing. Allele origin: germline.
Comment: The p.L430V variant (also known as c.1288C>G), located in coding exon 7 of the SMARCA4 gene, results from a C to G substitution at nucleotide position 1288. The leucine at codon 430 is replaced by valine, an amino acid with highly similar properties. This amino acid position is highly conserved in available vertebrate species. In addition, this alteration is predicted to be tolerated by in silico analysis. Missense and in-frame variants in SMARCA4 are known to cause neurodevelopmental disorders; however, such associations with rhabdoid tumor predisposition syndrome including small cell carcinoma of the ovary-hypercalcemic type (SCCOHT) are exceedingly rare (Kosho T et al. Am J Med Genet C Semin Med Genet. 2014 Sep;166C(3):262-75; Jelinic P et al. Nat Genet. 2014 May;46(5):424-6). Based on the supporting evidence, the association of this alteration with Coffin-Siris syndrome is unknown; however, the association of this alteration with rhabdoid tumor predisposition syndrome is unlikely.

NM_003072.5(SMARCA4):c.1288C>G (p.Leu430Val)

Gene: SMARCA4 (SWI/SNF related BAF chromatin remodeling complex subunit ATPase 4; plus strand). Cytogenetic location: 19p13.2.
Variant type: single nucleotide variant.
Coding change: c.1288C>G on transcript NM_003072.5 (MANE Select); coding-DNA position 1288, C replaced by G.
Protein change: p.Leu430Val; replaces leucine 430 with valine.
Molecular consequence: missense variant. On other transcripts: non-coding transcript variant (1).
Genome position (GRCh38, 1-based): chr19:10,991,192, C>G. VCF-style: chr19-10991192-C-G. GRCh37 (hg19) VCF-style: chr19-11101868-C-G.
Other names: c.1288C>G, p.Leu430Val (NM_001128848.2, NM_001411150.1, NM_001374457.1 and 6 more transcripts); short protein forms L430V.
Identifiers: ClinVar variation 1769015 (VCV001769015.2), dbSNP rs2145878964, ClinGen allele CA404060611.